The following is an entry in ClinVar:

NM_006739.4(MCM5):c.1729G>A (p.Glu577Lys)

Gene: MCM5 (minichromosome maintenance complex component 5; plus strand). Cytogenetic location: 22q12.3.
Variant type: single nucleotide variant.
Coding change: c.1729G>A on transcript NM_006739.4 (MANE Select); coding-DNA position 1729, G replaced by A.
Protein change: p.Glu577Lys; replaces glutamic acid 577 with lysine.
Molecular consequence: missense variant.
Genome position (GRCh38, 1-based): chr22:35,419,909, G>A. VCF-style: chr22-35419909-G-A. GRCh37 (hg19) VCF-style: chr22-35815902-G-A.
Other names: short protein forms E577K.
Identifiers: ClinVar variation 2816902 (VCV002816902.3), dbSNP rs747842698, ClinGen allele CA411349380.
Genomic context (GRCh38, chr22:35,419,909, plus strand): 5'-TGGCCTCACACCAGCCTCTCCCCACTGTCCTGCAGGAAGTGTGGCCCCCGGCTGTCAGCA[G>A]AGGCTGCAGAGAAACTGAAGAACCGCTACATCATCATGCGGAGCGGGGCCCGTCAGCACG-3'
Protein context (NP_006730.2, residues 567-587): RVKCGPRLSA[Glu577Lys]AAEKLKNRYI

ClinVar aggregate classification (germline): Uncertain significance (1 of 4 stars; one submission).

Submission:

Labcorp Genetics (formerly Invitae), Labcorp
Classification: Uncertain significance. Last evaluated: 2022-11-26. Review status: criteria provided, single submitter. Criteria: Invitae Variant Classification Sherloc (09022015). Collection method: clinical testing. Allele origin: germline.
Comment: Advanced modeling of protein sequence and biophysical properties (such as structural, functional, and spatial information, amino acid conservation, physicochemical variation, residue mobility, and thermodynamic stability) performed at Invitae indicates that this missense variant is not expected to disrupt MCM5 protein function. In summary, the available evidence is currently insufficient to determine the role of this variant in disease. Therefore, it has been classified as a Variant of Uncertain Significance. This variant has not been reported in the literature in individuals affected with MCM5-related conditions. This variant is not present in population databases (gnomAD no frequency). This sequence change replaces glutamic acid, which is acidic and polar, with lysine, which is basic and polar, at codon 577 of the MCM5 protein (p.Glu577Lys).